The following is an entry in ClinVar:

ClinVar aggregate classification (germline): Uncertain significance. Review status: criteria provided, multiple submitters, no conflicts (2 of 4 stars). 2 submissions from 2 submitters: Uncertain significance (2). Last evaluated 2021-10-20.

Allele frequency attached by ClinVar (database versions not stated): gnomAD exomes 0.00001; TOPMed 0.00001; gnomAD 0.00002; ExAC 0.00003.
gnomAD v4.1: 10 of 1,603,830 alleles (0.00062%); highest among the groups gnomAD compares: Non-Finnish European, 0.00085%; no homozygotes.

Submissions (2):

Labcorp Genetics (formerly Invitae), Labcorp
Classification: Uncertain significance. Last evaluated: 2021-10-20. Review status: criteria provided, single submitter. Criteria: Invitae Variant Classification Sherloc (09022015). Collection method: clinical testing. Allele origin: germline.
Comment: This sequence change falls in intron 5 of the ABCA4 gene. It does not directly change the encoded amino acid sequence of the ABCA4 protein. It affects a nucleotide within the consensus splice site of the intron. This variant is present in population databases (rs754918602, ExAC 0.006%). This variant has not been reported in the literature in individuals affected with ABCA4-related conditions. Variants that disrupt the consensus splice site are a relatively common cause of aberrant splicing (PMID: 17576681, 9536098). Algorithms developed to predict the effect of sequence changes on RNA splicing suggest that this variant may disrupt the consensus splice site. In summary, the available evidence is currently insufficient to determine the role of this variant in disease. Therefore, it has been classified as a Variant of Uncertain Significance.

Blueprint Genetics
Classification: Uncertain significance. Last evaluated: 2019-06-28. Review status: criteria provided, single submitter. Criteria: ACMG Guidelines, 2015. Collection method: clinical testing. Allele origin: germline.

Literature cited by the submitters: PubMed 17576681 (cited by Labcorp Genetics (formerly Invitae), Labcorp); PubMed 9536098 (cited by Labcorp Genetics (formerly Invitae), Labcorp).

NM_000350.3(ABCA4):c.571-3C>A

Gene: ABCA4 (ATP binding cassette subfamily A member 4; minus strand). Cytogenetic location: 1p22.1.
Variant type: single nucleotide variant.
Coding change: c.571-3C>A on transcript NM_000350.3 (MANE Select); 3 bases into the intron before coding-DNA position 571, C replaced by A.
Molecular consequence: intron variant.
Genome position (GRCh38, 1-based): chr1:94,098,994, G>T on the plus strand (C>A on the coding strand, the complement: ABCA4 is on the minus strand). VCF-style: chr1-94098994-G-T. GRCh37 (hg19) VCF-style: chr1-94564550-G-T.
Identifiers: ClinVar variation 844423 (VCV000844423.6), dbSNP rs754918602, ClinGen allele CA958801.